The following is an entry in ClinVar:

NM_015559.3(SETBP1):c.3796A>T (p.Ser1266Cys)

Gene: SETBP1 (SET binding protein 1; plus strand). Cytogenetic location: 18q12.3.
Variant type: single nucleotide variant.
Coding change: c.3796A>T on transcript NM_015559.3 (MANE Select); coding-DNA position 3796, A replaced by T.
Protein change: p.Ser1266Cys; replaces serine 1266 with cysteine.
Molecular consequence: missense variant.
Genome position (GRCh38, 1-based): chr18:44,953,136, A>T. VCF-style: chr18-44953136-A-T. GRCh37 (hg19) VCF-style: chr18-42533101-A-T.
Other names: c.3796A>T, p.Ser1266Cys (NM_001379141.1, NM_001379142.1, NM_001410862.1); short protein forms S1266C.
Identifiers: ClinVar variation 2799401 (VCV002799401.3), dbSNP rs2071402650, ClinGen allele CA402325207.
Genomic context (GRCh38, chr18:44,953,136, plus strand): 5'-AAGGAAAAAGGAGACTTGAGCAGTGAGCCTGTGGACTCATGCACGAAAAGATACTCTGGC[A>T]GTGGCGGGGATGGTGGCAGCACGAGATCAGAGAACCTGGACGTGTTCAGTGAAATGAACC-3'
Protein context (NP_056374.2, residues 1256-1276): VDSCTKRYSG[Ser1266Cys]GGDGGSTRSE

ClinVar aggregate classification (germline): Uncertain significance (1 of 4 stars; one submission).

Allele frequency attached by ClinVar (database versions not stated): gnomAD exomes below 0.00001.
gnomAD v4.1: 6 of 1,614,108 alleles (0.00037%); highest among the groups gnomAD compares: Non-Finnish European, 0.00051%; no homozygotes.

Submission:

Labcorp Genetics (formerly Invitae), Labcorp
Classification: Uncertain significance. Last evaluated: 2024-06-28. Review status: criteria provided, single submitter. Criteria: Invitae Variant Classification Sherloc (09022015). Collection method: clinical testing. Allele origin: germline.
Comment: This sequence change replaces serine, which is neutral and polar, with cysteine, which is neutral and slightly polar, at codon 1266 of the SETBP1 protein (p.Ser1266Cys). This variant is not present in population databases (gnomAD no frequency). This variant has not been reported in the literature in individuals affected with SETBP1-related conditions. Advanced modeling of protein sequence and biophysical properties (such as structural, functional, and spatial information, amino acid conservation, physicochemical variation, residue mobility, and thermodynamic stability) performed at Invitae indicates that this missense variant is not expected to disrupt SETBP1 protein function with a negative predictive value of 80%. In summary, the available evidence is currently insufficient to determine the role of this variant in disease. Therefore, it has been classified as a Variant of Uncertain Significance.